The following is an entry in ClinVar:

ClinVar aggregate classification (germline): Uncertain significance (1 of 4 stars; one submission).

Conditions:
Familial thoracic aortic aneurysm and aortic dissection (TAAD). Also called: Thoracic aortic aneurysms and dissections. Identifiers: Orphanet 91387, MedGen C4707243, MONDO:0019625.

Submission:

Ambry Genetics
Classification: Uncertain significance for Familial thoracic aortic aneurysm and aortic dissection. Last evaluated: 2026-05-28. Review status: criteria provided, single submitter. Criteria: Ambry Variant Classification Scheme 2023. Collection method: clinical testing. Allele origin: germline.
Comment: The p.E607G variant (also known as c.1820A>G), located in coding exon 6 of the SKI gene, results from an A to G substitution at nucleotide position 1820. The glutamic acid at codon 607 is replaced by glycine, an amino acid with similar properties. This amino acid position is conserved. In addition, the in silico prediction for this alteration is inconclusive. Based on the available evidence, the clinical significance of this variant remains unclear.

NM_003036.4(SKI):c.1820A>G (p.Glu607Gly)

Gene: SKI (SKI proto-oncogene; plus strand). Cytogenetic location: 1p36.32.
Variant type: single nucleotide variant.
Coding change: c.1820A>G on transcript NM_003036.4 (MANE Select); coding-DNA position 1820, A replaced by G.
Protein change: p.Glu607Gly; replaces glutamic acid 607 with glycine.
Molecular consequence: missense variant.
Genome position (GRCh38, 1-based): chr1:2,306,072, A>G. VCF-style: chr1-2306072-A-G. GRCh37 (hg19) VCF-style: chr1-2237511-A-G.
Other names: short protein forms E607G.
Identifiers: ClinVar variation 4864537 (VCV004864537.1).